The following is an entry in ClinVar:

NM_145068.4(TRPV3):c.19G>A (p.Glu7Lys)

Gene: TRPV3 (transient receptor potential cation channel subfamily V member 3; minus strand). Cytogenetic location: 17p13.2.
Variant type: single nucleotide variant.
Coding change: c.19G>A on transcript NM_145068.4 (MANE Select); coding-DNA position 19, G replaced by A.
Protein change: p.Glu7Lys; replaces glutamic acid 7 with lysine.
Molecular consequence: missense variant.
Genome position (GRCh38, 1-based): chr17:3,554,832, C>T on the plus strand (G>A on the coding strand, the complement: TRPV3 is on the minus strand). VCF-style: chr17-3554832-C-T. GRCh37 (hg19) VCF-style: chr17-3458126-C-T.
Other names: c.19G>A, p.Glu7Lys (NM_001258205.2); c.19G>A (NM_145068.2); short protein forms E7K.
Identifiers: ClinVar variation 3718281 (VCV003718281.3).
Genomic context (GRCh38, chr17:3,554,832, plus strand): 5'-GCAGGATGGCAGGGTTCCCACTGGGGGCAGCAACTCTCTTGCCCATGAGAGGCACCATCT[C>T]CTTGGGGTGGGCTTTCATGGCTGGAATACAACCACAGGGCAGATGCTCAGGCCGGGGGGA-3'
Protein context (NP_659505.1, residues 1-17): MKAHPK[Glu7Lys]MVPLMGKRVA

ClinVar aggregate classification (germline): Uncertain significance. Review status: criteria provided, multiple submitters, no conflicts (2 of 4 stars). 2 submissions from 2 submitters: Uncertain significance (2). Last evaluated 2025-07-12.

Conditions:
Inborn genetic diseases. Identifiers: MedGen C0950123, MeSH D030342.

Submissions (2):

Ambry Genetics
Classification: Uncertain significance for Inborn genetic diseases. Last evaluated: 2025-07-12. Review status: criteria provided, single submitter. Criteria: Ambry Variant Classification Scheme 2023. Collection method: clinical testing. Allele origin: germline.

Labcorp Genetics (formerly Invitae), Labcorp
Classification: Uncertain significance. Last evaluated: 2024-12-05. Review status: criteria provided, single submitter. Criteria: Invitae Variant Classification Sherloc (09022015). Collection method: clinical testing. Allele origin: germline.
Comment: This sequence change replaces glutamic acid, which is acidic and polar, with lysine, which is basic and polar, at codon 7 of the TRPV3 protein (p.Glu7Lys). This variant is present in population databases (no rsID available, gnomAD 0.0009%). This variant has not been reported in the literature in individuals affected with TRPV3-related conditions. Invitae Evidence Modeling of protein sequence and biophysical properties (such as structural, functional, and spatial information, amino acid conservation, physicochemical variation, residue mobility, and thermodynamic stability) indicates that this missense variant is not expected to disrupt TRPV3 protein function with a negative predictive value of 95%. In summary, the available evidence is currently insufficient to determine the role of this variant in disease. Therefore, it has been classified as a Variant of Uncertain Significance.